The following is an entry in ClinVar:

ClinVar aggregate classification (germline): Likely benign. Review status: criteria provided, multiple submitters, no conflicts (2 of 4 stars). 10 submissions from 10 submitters: Likely benign (10). Last evaluated 2025-12-23.

Conditions:
Cardiovascular phenotype. Identifiers: MedGen CN230736.
Cardiomyopathy (CMYO). Also called: Cardiomyopathies. Identifiers: Orphanet 167848, MedGen C0878544, MONDO:0004994, HP:0001638. Inheritance: Various modes of inheritance.
Hypertrophic cardiomyopathy. Also called: HYPERTROPHIC MYOCARDIOPATHY. Identifiers: Orphanet 217569, MedGen C0007194, MeSH D002312, MONDO:0005045, HP:0001639.

Allele frequency attached by ClinVar (database versions not stated): TOPMed 0.00002; gnomAD 0.00003.
gnomAD v4.1: 48 of 1,613,342 alleles (0.003%); highest among the groups gnomAD compares: Non-Finnish European, 0.0033%; no homozygotes.

Submissions (10):

Labcorp Genetics (formerly Invitae), Labcorp
Classification: Likely benign for Hypertrophic cardiomyopathy. Last evaluated: 2025-12-23. Review status: criteria provided, single submitter. Criteria: Invitae Variant Classification Sherloc (09022015). Collection method: clinical testing. Allele origin: germline.

Women's Health and Genetics/Laboratory Corporation of America, LabCorp
Classification: Likely benign. Last evaluated: 2025-11-14. Review status: criteria provided, single submitter. Criteria: LabCorp Variant Classification Summary - May 2015. Collection method: clinical testing. Allele origin: germline.

Molecular Diagnostic Laboratory for Inherited Cardiovascular Disease, Montreal Heart Institute
Classification: Likely benign. Last evaluated: 2025-04-09. Review status: criteria provided, single submitter. Criteria: ACMG Guidelines, 2015. Collection method: clinical testing. Allele origin: germline. Affected: no.

Blueprint Genetics
Classification: Likely benign. Last evaluated: 2024-10-21. Review status: criteria provided, single submitter. Criteria: ACMG Guidelines, 2015. Collection method: clinical testing. Allele origin: germline.

All of Us Research Program, National Institutes of Health
Classification: Likely benign for Hypertrophic cardiomyopathy. Last evaluated: 2023-12-13. Review status: criteria provided, single submitter. Criteria: ACMG Guidelines, 2015. Collection method: clinical testing. Allele origin: germline. Inheritance: Autosomal dominant inheritance. Observed: 13 variant alleles, 13 heterozygotes.
Comment: This study involves interpretation of variants in research participants for the purpose of population health screening. Participant phenotype was not available at the time of variant classification. Additional details can be found in publication PMID: 35346344, PMCID: PMC8962531

CeGaT Center for Human Genetics Tuebingen
Classification: Likely benign. Last evaluated: 2021-06-01. Review status: criteria provided, single submitter. Criteria: CeGaT Center For Human Genetics Tuebingen Variant Classification Criteria Version 2. Collection method: clinical testing. Allele origin: germline. Affected: yes. Observed: 1 variant allele.

Ambry Genetics
Classification: Likely benign for Cardiovascular phenotype. Last evaluated: 2020-08-27. Review status: criteria provided, single submitter. Criteria: Ambry Variant Classification Scheme 2023. Collection method: clinical testing. Allele origin: germline.

Color Diagnostics, LLC DBA Color Health
Classification: Likely benign for Cardiomyopathy. Last evaluated: 2018-03-05. Review status: criteria provided, single submitter. Criteria: ACMG Guidelines, 2015. Collection method: clinical testing. Allele origin: germline.

GeneDx
Classification: Likely benign. Last evaluated: 2017-10-04. Review status: criteria provided, single submitter. Criteria: GeneDx Variant Classification (06012015). Collection method: clinical testing. Allele origin: germline. Affected: yes.
Comment: This variant is considered likely benign or benign based on one or more of the following criteria: it is a conservative change, it occurs at a poorly conserved position in the protein, it is predicted to be benign by multiple in silico algorithms, and/or has population frequency not consistent with disease.

Laboratory for Molecular Medicine, Mass General Brigham Personalized Medicine
Classification: Likely benign. Last evaluated: 2016-01-08. Review status: criteria provided, single submitter. Criteria: LMM Criteria. Collection method: clinical testing. Allele origin: germline. Observed: 1 variant allele.
Comment: p.Gln1259Gln in exon of MYBPC3: This variant is not expected to have clinical si gnificance because it does not alter an amino acid residue and is not located wi thin the splice consensus sequence. It has been identified in 7/65980 European c hromosomes by the Exome Aggregation Consortium (ExAC .org; dbSNP rs746042492).

NM_000256.3(MYBPC3):c.3777G>A (p.Gln1259=)

Gene: MYBPC3 (myosin binding protein C3; minus strand). Cytogenetic location: 11p11.2.
Variant type: single nucleotide variant.
Coding change: c.3777G>A on transcript NM_000256.3 (MANE Select); coding-DNA position 3777, G replaced by A.
Protein change: p.Gln1259=; no amino-acid change (glutamine 1259 retained).
Molecular consequence: synonymous variant.
Genome position (GRCh38, 1-based): chr11:47,332,109, C>T on the plus strand (G>A on the coding strand, the complement: MYBPC3 is on the minus strand). VCF-style: chr11-47332109-C-T. GRCh37 (hg19) VCF-style: chr11-47353660-C-T.
Identifiers: ClinVar variation 227570 (VCV000227570.55), dbSNP rs746042492, ClinGen allele CA079537.